The following is an entry in ClinVar:

NM_005896.4(IDH1):c.83A>G (p.Glu28Gly)

Gene: IDH1 (isocitrate dehydrogenase (NADP(+)) 1; minus strand). Cytogenetic location: 2q34.
Variant type: single nucleotide variant.
Coding change: c.83A>G on transcript NM_005896.4 (MANE Select); coding-DNA position 83, A replaced by G.
Protein change: p.Glu28Gly; replaces glutamic acid 28 with glycine.
Molecular consequence: missense variant.
Genome position (GRCh38, 1-based): chr2:208,251,469, T>C on the plus strand (A>G on the coding strand, the complement: IDH1 is on the minus strand). VCF-style: chr2-208251469-T-C. GRCh37 (hg19) VCF-style: chr2-209116193-T-C.
Other names: c.83A>G, p.Glu28Gly (NM_001282386.1, NM_001282387.1); short protein forms E28G.
Identifiers: ClinVar variation 1763232 (VCV001763232.2), dbSNP rs2469038482, ClinGen allele CA350102942.

ClinVar aggregate classification (germline): Uncertain significance (1 of 4 stars; one submission).

Submission:

Ambry Genetics
Classification: Uncertain significance. Last evaluated: 2022-06-27. Review status: criteria provided, single submitter. Criteria: Ambry Variant Classification Scheme 2023. Collection method: clinical testing. Allele origin: germline.
Comment: The p.E28G variant (also known as c.83A>G), located in coding exon 1 of the IDH1 gene, results from an A to G substitution at nucleotide position 83. The glutamic acid at codon 28 is replaced by glycine, an amino acid with similar properties. This amino acid position is conserved. In addition, the in silico prediction for this alteration is inconclusive. Since supporting evidence is limited at this time, the clinical significance of this alteration remains unclear.